The following is an entry in ClinVar:

ClinVar aggregate classification (germline): Likely pathogenic (1 of 4 stars; one submission).

Conditions:
Intellectual disability-severe speech delay-mild dysmorphism syndrome (IDDLA). Also called: FOXP1 Syndrome; Intellectual developmental disorder with language impairment AND with or without autistic features; Mental retardation with language impairment and autistic features. Identifiers: Orphanet 391372, MedGen C4013764, MONDO:0013352, OMIM 613670.

Submission:

Dasa
Classification: Likely pathogenic for Intellectual disability-severe speech delay-mild dysmorphism syndrome. Last evaluated: 2025-07-10. Review status: criteria provided, single submitter. Criteria: DASA Assertion Criteria. Collection method: clinical testing. Allele origin: germline.
Comment: NM_001349338.3(FOXP1):c.1160C>G (p.Ser387*) is a nonsense variant in FOXP1 predicted to introduce a premature termination codon and is predicted to result in an absent or altered protein product. Loss of function is an established disease mechanism for FOXP1 (PMID: 29090079; PMID: 20848658; PMID: 20950788). Also, this variant is absent from population databases. Based on the currently available evidence, this variant is classified as likely pathogenic.

Literature cited by the submitters: PubMed 29090079; PubMed 20848658; PubMed 20950788.

NM_001349338.3(FOXP1):c.1160C>G (p.Ser387Ter)

Gene: FOXP1 (forkhead box P1; minus strand). Cytogenetic location: 3p13.
Variant type: single nucleotide variant.
Coding change: c.1160C>G on transcript NM_001349338.3 (MANE Select); coding-DNA position 1160, C replaced by G.
Protein change: p.Ser387Ter; replaces serine 387 with a stop codon.
Molecular consequence: nonsense. On other transcripts: non-coding transcript variant (2).
Genome position (GRCh38, 1-based): chr3:70,978,016, G>C on the plus strand (C>G on the coding strand, the complement: FOXP1 is on the minus strand). VCF-style: chr3-70978016-G-C. GRCh37 (hg19) VCF-style: chr3-71027167-G-C.
Other names: c.1160C>G, p.Ser387Ter (NM_001349340.3, NM_032682.6, NM_001244808.3 and 3 more transcripts); c.1157C>G, p.Ser386Ter (NM_001349341.3); c.860C>G, p.Ser287Ter (NM_001349342.3, NM_001370548.1, NM_001244813.3 and 1 more transcripts); c.857C>G, p.Ser286Ter (NM_001349343.3, NM_001349344.3, NM_001349337.2); c.932C>G, p.Ser311Ter (NM_001244812.3); short protein forms S286*, S287*, S311*, S386*, S387*.
Identifiers: ClinVar variation 4882648 (VCV004882648.2).